The following is an entry in ClinVar:

ClinVar aggregate classification (germline): Uncertain significance (0 of 4 stars; one submission).

Conditions:
MED13L-related disorder. Also called: MED13L-related condition.

Allele frequency attached by ClinVar (database versions not stated): gnomAD exomes below 0.00001; gnomAD 0.00001.
gnomAD v4.1: 8 of 1,613,400 alleles (0.0005%); highest among the groups gnomAD compares: Non-Finnish European, 0.00068%; no homozygotes.

Submission:

PreventionGenetics, part of Exact Sciences
Classification: Uncertain significance for MED13L-related condition. Last evaluated: 2023-12-04. Review status: no assertion criteria provided. Collection method: clinical testing. Allele origin: germline.
Comment: The MED13L c.4150A>G variant is predicted to result in the amino acid substitution p.Thr1384Ala. This variant was reported, apparently in the novo state, in an individual with Autism spectrum disorder (Fu et al. 2022. PubMed ID: 35982160; Zhou X et al 2022. PubMed ID: 35982159). This variant is reported in 0.0018% of alleles in individuals of European (Non-Finnish) descent in gnomAD. Of note, this variant is now observed in 8 alleles in gnomAD v4. At this time, the clinical significance of this variant is uncertain due to the absence of conclusive functional and genetic evidence.

NM_015335.5(MED13L):c.4150A>G (p.Thr1384Ala)

Gene: MED13L (mediator complex subunit 13L; minus strand). Cytogenetic location: 12q24.21.
Variant type: single nucleotide variant.
Coding change: c.4150A>G on transcript NM_015335.5 (MANE Select); coding-DNA position 4150, A replaced by G.
Protein change: p.Thr1384Ala; replaces threonine 1384 with alanine.
Molecular consequence: missense variant.
Genome position (GRCh38, 1-based): chr12:115,986,454, T>C on the plus strand (A>G on the coding strand, the complement: MED13L is on the minus strand). VCF-style: chr12-115986454-T-C. GRCh37 (hg19) VCF-style: chr12-116424259-T-C.
Other names: short protein forms T1384A.
Identifiers: ClinVar variation 3032614 (VCV003032614.2), dbSNP rs1435773034, ClinGen allele CA386884733.